The following is an entry in ClinVar:

NM_001397406.1(FDX2):c.456G>T (p.Gln152His)

Genes: FDX2 (ferredoxin 2; minus strand), FDX2-ZGLP1 (FDX2-ZGLP1 readthrough (NMD candidate); minus strand). Cytogenetic location: 19p13.2.
Variant type: single nucleotide variant.
Coding change: c.456G>T on transcript NM_001397406.1 (MANE Select); coding-DNA position 456, G replaced by T.
Protein change: p.Gln152His; replaces glutamine 152 with histidine.
Molecular consequence: missense variant.
Genome position (GRCh38, 1-based): chr19:10,310,582, C>A on the plus strand (G>T on the coding strand, the complement: FDX2 is on the minus strand). VCF-style: chr19-10310582-C-A. GRCh37 (hg19) VCF-style: chr19-10421258-C-A.
Other names: short protein forms Q152H.
Identifiers: ClinVar variation 1345592 (VCV001345592.6), dbSNP rs2145047417, ClinGen allele CA403978429.

ClinVar aggregate classification (germline): Uncertain significance (1 of 4 stars; one submission).

Submission:

Labcorp Genetics (formerly Invitae), Labcorp
Classification: Uncertain significance. Last evaluated: 2022-03-02. Review status: criteria provided, single submitter. Criteria: Invitae Variant Classification Sherloc (09022015). Collection method: clinical testing. Allele origin: germline.
Comment: In summary, the available evidence is currently insufficient to determine the role of this variant in disease. Therefore, it has been classified as a Variant of Uncertain Significance. Algorithms developed to predict the effect of missense changes on protein structure and function are either unavailable or do not agree on the potential impact of this missense change (SIFT: "Deleterious"; PolyPhen-2: "Not Available"; Align-GVGD: "Class C15"). This variant has not been reported in the literature in individuals affected with FDX2-related conditions. This variant is not present in population databases (gnomAD no frequency). This sequence change replaces glutamine, which is neutral and polar, with histidine, which is basic and polar, at codon 155 of the FDX2 protein (p.Gln155His).